The following is an entry in ClinVar:

ClinVar aggregate classification (germline): Uncertain significance (1 of 4 stars; one submission).

Conditions:
Peroxisome biogenesis disorder 9B. Also called: PEX7-Related Refsum Disease; PEROXISOME BIOGENESIS DISORDER, PEX7-RELATED, ATYPICAL; Refsum disease, adult, 2. Identifiers: Orphanet 773, MedGen C2749346, MONDO:0013945, OMIM 614879.

Allele frequency attached by ClinVar (database versions not stated): ESP Exome Variant Server 0.00008.
gnomAD v4.1: 8 of 1,611,136 alleles (0.0005%); highest among the groups gnomAD compares: Non-Finnish European, 0.00068%; no homozygotes.

Submission:

Labcorp Genetics (formerly Invitae), Labcorp
Classification: Uncertain significance for Peroxisome biogenesis disorder 9B. Last evaluated: 2022-03-10. Review status: criteria provided, single submitter. Criteria: Invitae Variant Classification Sherloc (09022015). Collection method: clinical testing. Allele origin: germline.
Comment: This sequence change replaces cysteine, which is neutral and slightly polar, with arginine, which is basic and polar, at codon 170 of the PEX7 protein (p.Cys170Arg). This variant is present in population databases (rs373624730, gnomAD 0.002%). This variant has not been reported in the literature in individuals affected with PEX7-related conditions. Algorithms developed to predict the effect of missense changes on protein structure and function are either unavailable or do not agree on the potential impact of this missense change (SIFT: "Deleterious"; PolyPhen-2: "Possibly Damaging"; Align-GVGD: "Class C0"). In summary, the available evidence is currently insufficient to determine the role of this variant in disease. Therefore, it has been classified as a Variant of Uncertain Significance.

NM_000288.4(PEX7):c.508T>C (p.Cys170Arg)

Gene: PEX7 (peroxisomal biogenesis factor 7; plus strand). Cytogenetic location: 6q23.3.
Variant type: single nucleotide variant.
Coding change: c.508T>C on transcript NM_000288.4 (MANE Select); coding-DNA position 508, T replaced by C.
Protein change: p.Cys170Arg; replaces cysteine 170 with arginine.
Molecular consequence: missense variant.
Genome position (GRCh38, 1-based): chr6:136,846,163, T>C. VCF-style: chr6-136846163-T-C. GRCh37 (hg19) VCF-style: chr6-137167301-T-C.
Other names: c.394T>C, p.Cys132Arg (NM_001410945.1); short protein forms C132R, C170R.
Identifiers: ClinVar variation 2185325 (VCV002185325.1), dbSNP rs373624730, ClinGen allele CA4017634.
Genomic context (GRCh38, chr6:136,846,163, plus strand): 5'-ACCTTTAGAGGCCATGAAAGTATTATTTATAGCACAATCTGGTCTCCCCACATCCCTGGT[T>C]GTTTTGCTTCAGCCTCAGGTAAATTATTCTGTATTTACCAAAAGCCTTACTTGTAGTGAA-3'
Protein context (NP_000279.1, residues 160-180): STIWSPHIPG[Cys170Arg]FASASGDQTL